The following is an entry in ClinVar:

ClinVar aggregate classification (germline): Benign. Review status: criteria provided, multiple submitters, no conflicts (2 of 4 stars). 3 submissions from 3 submitters: Benign (3). Last evaluated 2026-02-04.

Allele frequency attached by ClinVar (database versions not stated): 1000 Genomes Project 0.13678; 1000 Genomes Project 30x 0.14319; ESP Exome Variant Server 0.15616; TOPMed 0.15815; gnomAD 0.15838.

Submissions (3):

Labcorp Genetics (formerly Invitae), Labcorp
Classification: Benign. Last evaluated: 2026-02-04. Review status: criteria provided, single submitter. Criteria: Invitae Variant Classification Sherloc (09022015). Collection method: clinical testing. Allele origin: germline.

GeneDx
Classification: Benign. Last evaluated: 2016-10-03. Review status: criteria provided, single submitter. Criteria: GeneDx Variant Classification (06012015). Collection method: clinical testing. Allele origin: germline. Affected: yes.
Comment: This variant is considered likely benign or benign based on one or more of the following criteria: it is a conservative change, it occurs at a poorly conserved position in the protein, it is predicted to be benign by multiple in silico algorithms, and/or has population frequency not consistent with disease.

Breakthrough Genomics
Classification: Benign. Review status: criteria provided, single submitter. Criteria: ACMG Guidelines, 2015. Collection method: not provided. Allele origin: germline. Inheritance: Autosomal recessive inheritance. Affected: yes.

NM_001042545.2(LTBP4):c.4520-18G>C

Gene: LTBP4 (latent transforming growth factor beta binding protein 4; plus strand). Cytogenetic location: 19q13.2.
Variant type: single nucleotide variant.
Coding change: c.4520-18G>C on transcript NM_001042545.2 (MANE Select); 18 bases into the intron before coding-DNA position 4520, G replaced by C.
Molecular consequence: intron variant.
Genome position (GRCh38, 1-based): chr19:40,629,378, G>C. VCF-style: chr19-40629378-G-C. GRCh37 (hg19) VCF-style: chr19-41135283-G-C.
Other names: c.4610-18G>C (NM_003573.2); c.4721-18G>C (NM_001042544.1).
Identifiers: ClinVar variation 384699 (VCV000384699.10), dbSNP rs7258772, ClinGen allele CA9449360.
Genomic context (GRCh38, chr19:40,629,378, plus strand): 5'-TCCAAGAACTTAAGGGGCCAAGGAGGCGAGCTTCTGGGGCCCCAGCCTTCAGCAGCGATC[G>C]TTGTCTCCCCTCCGCAGACATCAACGAGTGTGATGAGGCCGAGGCTGCCTCCCCGCTGTG-3'